The following is an entry in ClinVar:

ClinVar aggregate classification (germline): Benign. Review status: criteria provided, single submitter (1 of 4 stars). 2 submissions from 2 submitters: Benign (1). 1 of the submissions does not count toward it. Last evaluated 2026-01-25.

Conditions:
CBLIF-related disorder. Also called: CBLIF-related condition.
Hereditary intrinsic factor deficiency (IFD). Also called: Congenital intrinsic factor deficiency; PERNICIOUS ANEMIA, CONGENITAL, DUE TO DEFECT OF INTRINSIC FACTOR. Identifiers: Orphanet 332, MedGen C2062370, MONDO:0009852, OMIM 261000.

Allele frequency attached by ClinVar (database versions not stated): gnomAD 0.00007; gnomAD exomes 0.00014 and 0.00068; TOPMed 0.00032; ExAC 0.00048.
gnomAD v4.1: 204 of 1,611,662 alleles (0.013%); highest among the groups gnomAD compares: Admixed American, 0.33%; 3 homozygotes.

Submissions (2):

Labcorp Genetics (formerly Invitae), Labcorp
Classification: Benign for Hereditary intrinsic factor deficiency. Last evaluated: 2026-01-25. Review status: criteria provided, single submitter. Criteria: Invitae Variant Classification Sherloc (09022015). Collection method: clinical testing. Allele origin: germline.

PreventionGenetics, part of Exact Sciences
Classification: Likely benign for CBLIF-related condition. Last evaluated: 2023-04-04. Review status: no assertion criteria provided. Collection method: clinical testing. Allele origin: germline. Not counted in ClinVar's aggregate classification.
Comment: This variant is classified as likely benign based on ACMG/AMP sequence variant interpretation guidelines (Richards et al. 2015 PMID: 25741868, with internal and published modifications).

NM_005142.3(CBLIF):c.59C>T (p.Thr20Ile)

Gene: CBLIF (cobalamin binding intrinsic factor; minus strand). Cytogenetic location: 11q12.1.
Variant type: single nucleotide variant.
Coding change: c.59C>T on transcript NM_005142.3 (MANE Select); coding-DNA position 59, C replaced by T.
Protein change: p.Thr20Ile; replaces threonine 20 with isoleucine.
Molecular consequence: missense variant.
Genome position (GRCh38, 1-based): chr11:59,845,395, G>A on the plus strand (C>T on the coding strand, the complement: CBLIF is on the minus strand). VCF-style: chr11-59845395-G-A. GRCh37 (hg19) VCF-style: chr11-59612868-G-A.
Other names: short protein forms T20I.
Identifiers: ClinVar variation 770216 (VCV000770216.11), dbSNP rs759872025, ClinGen allele CA6021703.